The following is an entry in ClinVar:

NM_020297.4(ABCC9):c.1247T>C (p.Leu416Ser)

Gene: ABCC9 (ATP binding cassette subfamily C member 9; minus strand). Cytogenetic location: 12p12.1.
Variant type: single nucleotide variant.
Coding change: c.1247T>C on transcript NM_020297.4 (MANE Select); coding-DNA position 1247, T replaced by C.
Protein change: p.Leu416Ser; replaces leucine 416 with serine.
Molecular consequence: missense variant.
Genome position (GRCh38, 1-based): chr12:21,910,230, A>G on the plus strand (T>C on the coding strand, the complement: ABCC9 is on the minus strand). VCF-style: chr12-21910230-A-G. GRCh37 (hg19) VCF-style: chr12-22063164-A-G.
Other names: c.1247T>C, p.Leu416Ser (NM_001377273.1, NM_005691.4); c.383T>C, p.Leu128Ser (NM_001377274.1); short protein forms L128S, L416S.
Identifiers: ClinVar variation 973302 (VCV000973302.4), dbSNP rs1948252880, ClinGen allele CA384118564.

ClinVar aggregate classification (germline): Uncertain significance (1 of 4 stars; one submission).

Conditions:
Hypertrichotic osteochondrodysplasia Cantu type. Also called: Cantu Syndrome; Cantú Syndrome. Identifiers: Orphanet 1517, MedGen C0795905, MONDO:0009406, OMIM 239850.

Submission:

Illumina Laboratory Services, Illumina
Classification: Uncertain significance for Hypertrichotic osteochondrodysplasia Cantu type. Last evaluated: 2019-08-30. Review status: criteria provided, single submitter. Criteria: ICSLVariantClassificationCriteria RUGD 01 April 2020. Collection method: clinical testing. Allele origin: unknown.
Comment: The ABCC9 c.1247T>C (p.Leu416Ser) variant is a missense variant. A literature search was performed for the gene, cDNA change, and amino acid change. No publications were found based on this search. This variant is not found in the Genome Aggregation Database in a region of good sequence coverage so is presumed to be rare. Based on the limited evidence, the p.Leu416Ser variant is classified as a variant of unknown significance for hypertrichotic osteochondrodysplasia.